The following is an entry in ClinVar:

NM_001378452.1(ITPR1):c.6517C>T (p.Arg2173Trp)

Gene: ITPR1 (inositol 1,4,5-trisphosphate receptor type 1; plus strand). Cytogenetic location: 3p26.1.
Variant type: single nucleotide variant.
Coding change: c.6517C>T on transcript NM_001378452.1 (MANE Select); coding-DNA position 6517, C replaced by T.
Protein change: p.Arg2173Trp; replaces arginine 2173 with tryptophan.
Molecular consequence: missense variant.
Genome position (GRCh38, 1-based): chr3:4,783,822, C>T. VCF-style: chr3-4783822-C-T. GRCh37 (hg19) VCF-style: chr3-4825506-C-T.
Other names: c.6328C>T (NM_002222.5); c.6373C>T, p.Arg2125Trp (NM_001099952.4); c.6472C>T, p.Arg2158Trp (NM_001168272.2); c.6328C>T, p.Arg2110Trp (NM_002222.7); short protein forms R2110W, R2125W, R2158W, R2173W.
Identifiers: ClinVar variation 3337188 (VCV003337188.2).

ClinVar aggregate classification (germline): Uncertain significance. Review status: criteria provided, multiple submitters, no conflicts (2 of 4 stars). 2 submissions from 2 submitters: Uncertain significance (2). Last evaluated 2026-07-20.

Conditions:
Inborn genetic diseases. Identifiers: MedGen C0950123, MeSH D030342.

gnomAD v4.1: 14 of 1,601,158 alleles (0.00087%); highest among the groups gnomAD compares: Admixed American, 0.012%; no homozygotes.

Submissions (2):

Ambry Genetics
Classification: Uncertain significance for Inborn genetic diseases. Last evaluated: 2026-07-20. Review status: criteria provided, single submitter. Criteria: Ambry Variant Classification Scheme 2023. Collection method: clinical testing. Allele origin: germline.
Comment: The c.6328C>T (p.R2110W) alteration is located in exon 47 (coding exon 45) of the ITPR1 gene. This alteration results from a C to T substitution at nucleotide position 6328, causing the arginine (R) at amino acid position 2110 to be replaced by a tryptophan (W). Based on data from gnomAD, the T allele has an overall frequency of 0.001% (2/229518) total alleles studied. The highest observed frequency was 0.006% (2/32516) of Latino alleles. Based on insufficient or conflicting evidence, the clinical significance of this alteration remains unclear.

Clinical Genetics Laboratory, Skane University Hospital Lund
Classification: Uncertain significance. Last evaluated: 2024-03-25. Review status: criteria provided, single submitter. Criteria: ACMG Guidelines, 2015. Collection method: clinical testing. Allele origin: germline. Affected: yes.